The following is an entry in ClinVar:

NM_001164665.2(KIAA1549):c.5605A>G (p.Met1869Val)

Gene: KIAA1549 (KIAA1549; minus strand). Cytogenetic location: 7q34.
Variant type: single nucleotide variant.
Coding change: c.5605A>G on transcript NM_001164665.2 (MANE Select); coding-DNA position 5605, A replaced by G.
Protein change: p.Met1869Val; replaces methionine 1869 with valine.
Molecular consequence: missense variant. On other transcripts: intron variant (1).
Genome position (GRCh38, 1-based): chr7:138,838,154, T>C on the plus strand (A>G on the coding strand, the complement: KIAA1549 is on the minus strand). VCF-style: chr7-138838154-T-C. GRCh37 (hg19) VCF-style: chr7-138522899-T-C.
Other names: c.5599-42A>G (NM_020910.3); short protein forms M1869V.
Identifiers: ClinVar variation 1060825 (VCV001060825.6), dbSNP rs1391101344, ClinGen allele CA369384340.

ClinVar aggregate classification (germline): Uncertain significance (1 of 4 stars; one submission).

Allele frequency attached by ClinVar (database versions not stated): gnomAD exomes below 0.00001; gnomAD 0.00001; TOPMed 0.00002.

Submission:

Labcorp Genetics (formerly Invitae), Labcorp
Classification: Uncertain significance. Last evaluated: 2022-07-05. Review status: criteria provided, single submitter. Criteria: Invitae Variant Classification Sherloc (09022015). Collection method: clinical testing. Allele origin: germline.
Comment: This sequence change replaces methionine, which is neutral and non-polar, with valine, which is neutral and non-polar, at codon 1869 of the KIAA1549 protein (p.Met1869Val). This variant is not present in population databases (gnomAD no frequency). This variant has not been reported in the literature in individuals affected with KIAA1549-related conditions. ClinVar contains an entry for this variant (Variation ID: 1060825). Algorithms developed to predict the effect of missense changes on protein structure and function output the following: SIFT: "Tolerated"; PolyPhen-2: "Benign"; Align-GVGD: "Class C0". The valine amino acid residue is found in multiple mammalian species, which suggests that this missense change does not adversely affect protein function. In summary, the available evidence is currently insufficient to determine the role of this variant in disease. Therefore, it has been classified as a Variant of Uncertain Significance.